The following is an entry in ClinVar:

ClinVar aggregate classification (germline): Benign. Review status: criteria provided, multiple submitters, no conflicts (2 of 4 stars). 7 submissions from 3 submitters: Benign (7). Last evaluated 2021-07-22.

Conditions:
Osteogenesis imperfecta type I (OI1). Also called: Lobstein disease; Lobstein's Disease; Osteogenesis imperfecta type 1; Classic Non-deforming Osteogenesis Imperfecta with Blue Sclerae; OI, TYPE I; OSTEOGENESIS IMPERFECTA TARDA. Identifiers: Orphanet 216796, Orphanet 666, MedGen C0023931, MONDO:0008146, OMIM 166200. Disease mechanism: loss of function.
Osteogenesis imperfecta, perinatal lethal (OI2). Also called: OSTEOGENESIS IMPERFECTA, TYPE II; VROLIK TYPE OF OSTEOGENESIS IMPERFECTA; Osteogenesis imperfecta type 2; Osteogenesis imperfecta, dominant perinatal lethal; OI, TYPE II; OSTEOGENESIS IMPERFECTA CONGENITA. Identifiers: Orphanet 216804, MedGen C0268358, MONDO:0008147, OMIM 166210.
Osteogenesis imperfecta with normal sclerae, dominant form (OI4). Also called: OSTEOGENESIS IMPERFECTA, TYPE IV, WITH DENTINOGENESIS IMPERFECTA; Osteogenesis Imperfecta Type IV; Common Variable Osteogenesis Imperfecta with Normal Sclerae; Osteogenesis imperfecta type 4; OSTEOGENESIS IMPERFECTA WITH NORMAL SCLERAE. Identifiers: Orphanet 216820, Orphanet 666, MedGen C0268363, MONDO:0008148, OMIM 166220.
Ehlers-Danlos syndrome, arthrochalasia type. Also called: ARTHROCHALASIS MULTIPLEX CONGENITA; Ehlers-Danlos syndrome, arthrochalasis type; Ehlers-Danlos syndrome, arthrochalasia type, 1; EDS VII, MUTANT PROCOLLAGEN TYPE; EDS VIIA. Identifiers: Orphanet 1899, Orphanet 99875, Orphanet 99876, MedGen C4551623, MONDO:0007525, OMIM 130060.
Osteogenesis imperfecta type III (OI3). Also called: Osteogenesis imperfecta type 3; OI type 3; Osteogenesis imperfecta, progressively deforming with normal sclerae; OI type III; Progressively Deforming Osteogenesis Imperfecta. Identifiers: Orphanet 216812, Orphanet 666, MedGen C0268362, MONDO:0009804, OMIM 259420.

Allele frequency attached by ClinVar (database versions not stated): 1000 Genomes Project 30x 0.21346; 1000 Genomes Project 0.21865; TOPMed 0.21931; ESP Exome Variant Server 0.22371; gnomAD 0.22664 and 0.23001; ExAC 0.27524; gnomAD exomes 0.27820 and 0.29255.
gnomAD v4.1: 462,175 of 1,612,788 alleles (29%); highest among the groups gnomAD compares: Middle Eastern, 34%; 69,541 homozygotes.

Submissions (7):

Genome-Nilou Lab
Classification: Benign for Ehlers-Danlos syndrome, arthrochalasia type. Last evaluated: 2021-07-22. Review status: criteria provided, single submitter. Criteria: ACMG Guidelines, 2015. Collection method: clinical testing. Allele origin: germline. Affected: no.

Genome-Nilou Lab
Classification: Benign for Osteogenesis imperfecta type I. Last evaluated: 2021-07-22. Review status: criteria provided, single submitter. Criteria: ACMG Guidelines, 2015. Collection method: clinical testing. Allele origin: germline. Affected: no.

Genome-Nilou Lab
Classification: Benign for Osteogenesis imperfecta, perinatal lethal. Last evaluated: 2021-07-22. Review status: criteria provided, single submitter. Criteria: ACMG Guidelines, 2015. Collection method: clinical testing. Allele origin: germline. Affected: no.

Genome-Nilou Lab
Classification: Benign for Osteogenesis imperfecta type III. Last evaluated: 2021-07-22. Review status: criteria provided, single submitter. Criteria: ACMG Guidelines, 2015. Collection method: clinical testing. Allele origin: germline. Affected: no.

Genome-Nilou Lab
Classification: Benign for Osteogenesis imperfecta with normal sclerae, dominant form. Last evaluated: 2021-07-22. Review status: criteria provided, single submitter. Criteria: ACMG Guidelines, 2015. Collection method: clinical testing. Allele origin: germline. Affected: no.

GeneDx
Classification: Benign. Last evaluated: 2018-06-18. Review status: criteria provided, single submitter. Criteria: GeneDx Variant Classification (06012015). Collection method: clinical testing. Allele origin: germline. Affected: yes.
Comment: This variant is considered likely benign or benign based on one or more of the following criteria: it is a conservative change, it occurs at a poorly conserved position in the protein, it is predicted to be benign by multiple in silico algorithms, and/or has population frequency not consistent with disease.

Breakthrough Genomics
Classification: Benign. Review status: criteria provided, single submitter. Criteria: ACMG Guidelines, 2015. Collection method: not provided. Allele origin: germline. Inheritance: Autosomal dominant inheritance. Affected: yes.

NM_000088.4(COL1A1):c.588+33T>C

Gene: COL1A1 (collagen type I alpha 1 chain; minus strand). Cytogenetic location: 17q21.33.
Variant type: single nucleotide variant.
Coding change: c.588+33T>C on transcript NM_000088.4 (MANE Select); 33 bases into the intron after coding-DNA position 588, T replaced by C.
Molecular consequence: intron variant.
Genome position (GRCh38, 1-based): chr17:50,198,128, A>G on the plus strand (T>C on the coding strand, the complement: COL1A1 is on the minus strand). VCF-style: chr17-50198128-A-G. GRCh37 (hg19) VCF-style: chr17-48275489-A-G.
Identifiers: ClinVar variation 675050 (VCV000675050.5), dbSNP rs35231764, ClinGen allele CA8645650.
Genomic context (GRCh38, chr17:50,198,128, plus strand): 5'-GAGATCTCTGAGCATCTCTCCTGCCCTCATCCCAGTCTTCCCTCCAAAAGACCAAAGCCC[A>G]AGGAGGCATATGAAGACGTCCTGGATACTCACAGGTGCACCAGGGGGGCCAGGGAGACCA-3'